The following is an entry in ClinVar:

ClinVar aggregate classification (germline): Uncertain significance (1 of 4 stars; one submission).

Conditions:
Dyskeratosis congenita, autosomal dominant 2. Identifiers: MedGen C3151443, MONDO:0013521, OMIM 613989.
Idiopathic Pulmonary Fibrosis. Also called: Idiopathic fibrosing alveolitis, chronic form; idiopathic fibrosing alveolitis. Identifiers: Orphanet 2032, MedGen C1800706, MeSH D054990, MONDO:0800504.

Submission:

Labcorp Genetics (formerly Invitae), Labcorp
Classification: Uncertain significance for Dyskeratosis congenita, autosomal dominant 2; Idiopathic Pulmonary Fibrosis. Last evaluated: 2024-07-23. Review status: criteria provided, single submitter. Criteria: Invitae Variant Classification Sherloc (09022015). Collection method: clinical testing. Allele origin: germline.
Comment: This sequence change replaces proline, which is neutral and non-polar, with threonine, which is neutral and polar, at codon 5 of the TERT protein (p.Pro5Thr). This variant is not present in population databases (gnomAD no frequency). This variant has not been reported in the literature in individuals affected with TERT-related conditions. Advanced modeling of protein sequence and biophysical properties (such as structural, functional, and spatial information, amino acid conservation, physicochemical variation, residue mobility, and thermodynamic stability) has been performed at Invitae for this missense variant, however the output from this modeling did not meet the statistical confidence thresholds required to predict the impact of this variant on TERT protein function. In summary, the available evidence is currently insufficient to determine the role of this variant in disease. Therefore, it has been classified as a Variant of Uncertain Significance.

NM_198253.3(TERT):c.13C>A (p.Pro5Thr)

Genes: TERT (telomerase reverse transcriptase; minus strand), LOC110806263 (TERT 5' regulatory region; plus strand). Cytogenetic location: 5p15.33.
Variant type: single nucleotide variant.
Coding change: c.13C>A on transcript NM_198253.3 (MANE Select); coding-DNA position 13, C replaced by A.
Protein change: p.Pro5Thr; replaces proline 5 with threonine.
Molecular consequence: missense variant. On other transcripts: non-coding transcript variant (2).
Genome position (GRCh38, 1-based): chr5:1,294,977, G>T on the plus strand (C>A on the coding strand, the complement: TERT is on the minus strand). VCF-style: chr5-1294977-G-T. GRCh37 (hg19) VCF-style: chr5-1295092-G-T.
Other names: c.13C>A, p.Pro5Thr (NM_001193376.3); short protein forms P5T.
Identifiers: ClinVar variation 3754217 (VCV003754217.2).